The following is an entry in ClinVar:

GRCh37/hg19 11q22.1-22.3(chr11:101371503-109306519)x1

Genes: AASDHPPT (aminoadipate-semialdehyde dehydrogenase-phosphopantetheinyl transferase; plus strand), ACAT1 (acetyl-CoA acetyltransferase 1; plus strand), ALKBH8 (alkB homolog 8, tRNA methyltransferase; minus strand), ANGPTL5 (angiopoietin like 5; minus strand), ATM (ATM serine/threonine kinase; plus strand) and 43 more. Cytogenetic location: 11q22.1-22.3.
Variant type: copy number loss.
Change: copy number 1 (one copy instead of two) of chr11:101,371,503-109,306,519 (7.94 Mb, GRCh37 coordinates, 1-based), cytogenetic band 11q22.1-22.3.
Identifiers: ClinVar variation 1807688 (VCV001807688.1).

ClinVar aggregate classification (germline): Pathogenic (1 of 4 stars; one submission).

Submission:

Quest Diagnostics Nichols Institute San Juan Capistrano
Classification: Pathogenic. Last evaluated: 2021-06-03. Review status: criteria provided, single submitter. Criteria: ACMG/ClinGen CNV Guidelines, 2019. Collection method: clinical testing. Allele origin: unknown.
Comment: The copy number loss of 11q22.1q22.3 involves multiple protein-coding genes. Due to the size of this deletion and the sizable number of genes encompassed, this copy number loss is regarded as pathogenic, and is expected to cause phenotypic and/or developmental abnormalities. The 11q22.1q22.3 deletion includes the genes ATM (OMIM 607585) and YAP1 (OMIM 120433). Biallelic loss-of-function sequence variants and intragenic deletions of ATM are associated with ataxia-telangiectasia (AT) (OMIM 208900). Additionally, haploinsufficiency of ATM is associated with an increased susceptibility to breast cancer (OMIM 114480). Regarding the YAP1 gene (OMIM 120433), a single publication identified two families with a heterozygous mutation in this gene (YAP1 nonsense variant), presenting ocular coloboma with or without hearing impairment, cleft lip/palate, and/or intellectual disability. Of note, the family members presented with variable features of the syndrome (Williamson et al., Am J Hum Genet. 2014 Feb 6;94(2):295-302. PMID: 24462371). There are three other genes associated with autosomal dominant phenotypes within this deletion interval: TRPC6 (OMIM 603965), MMP13 (OMIM 602111), and GRIA4 (OMIM 617864).